The following is an entry in ClinVar:

ClinVar aggregate classification (germline): Uncertain significance. Review status: criteria provided, multiple submitters, no conflicts (2 of 4 stars). 2 submissions from 2 submitters: Uncertain significance (2). Last evaluated 2024-10-30.

Allele frequency attached by ClinVar (database versions not stated): gnomAD exomes below 0.00001; TOPMed 0.00001.
gnomAD v4.1: 4 of 1,613,976 alleles (0.00025%); highest among the groups gnomAD compares: Non-Finnish European, 0.00034%; no homozygotes.

Submissions (2):

Blueprint Genetics
Classification: Uncertain significance. Last evaluated: 2024-10-30. Review status: criteria provided, single submitter. Criteria: ACMG Guidelines, 2015. Collection method: clinical testing. Allele origin: germline.

Labcorp Genetics (formerly Invitae), Labcorp
Classification: Uncertain significance. Last evaluated: 2023-05-05. Review status: criteria provided, single submitter. Criteria: Invitae Variant Classification Sherloc (09022015). Collection method: clinical testing. Allele origin: germline.
Comment: In summary, the available evidence is currently insufficient to determine the role of this variant in disease. Therefore, it has been classified as a Variant of Uncertain Significance. Advanced modeling of protein sequence and biophysical properties (such as structural, functional, and spatial information, amino acid conservation, physicochemical variation, residue mobility, and thermodynamic stability) performed at Invitae indicates that this missense variant is not expected to disrupt KMT2A protein function. This variant has not been reported in the literature in individuals affected with KMT2A-related conditions. This variant is not present in population databases (gnomAD no frequency). This sequence change replaces glutamic acid, which is acidic and polar, with lysine, which is basic and polar, at codon 1416 of the KMT2A protein (p.Glu1416Lys).

NM_001197104.2(KMT2A):c.4246G>A (p.Glu1416Lys)

Gene: KMT2A (lysine methyltransferase 2A; plus strand). Cytogenetic location: 11q23.3.
Variant type: single nucleotide variant.
Coding change: c.4246G>A on transcript NM_001197104.2 (MANE Select); coding-DNA position 4246, G replaced by A.
Protein change: p.Glu1416Lys; replaces glutamic acid 1416 with lysine.
Molecular consequence: missense variant.
Genome position (GRCh38, 1-based): chr11:118,484,889, G>A. VCF-style: chr11-118484889-G-A. GRCh37 (hg19) VCF-style: chr11-118355604-G-A.
Other names: c.4345G>A, p.Glu1449Lys (NM_001412597.1); c.4246G>A, p.Glu1416Lys (NM_005933.4); short protein forms E1416K, E1449K.
Identifiers: ClinVar variation 2862235 (VCV002862235.4), dbSNP rs1555040446, ClinGen allele CA382830736.
Genomic context (GRCh38, chr11:118,484,889, plus strand): 5'-AAACTTTCCTAAGTGACCTTTCTCTCTCCACAGGAGGATTGTGAAGCAGAAAATGTGTGG[G>A]AGATGGGAGGCTTAGGAATCTTGACTTCTGTTCCTATAACACCCAGGGTGGTTTGCTTTC-3'
Protein context (NP_001184033.1, residues 1406-1426): KEDCEAENVW[Glu1416Lys]MGGLGILTSV